The following is an entry in ClinVar:

NM_000465.4(BARD1):c.71C>G (p.Pro24Arg)

Gene: BARD1 (BRCA1 associated RING domain 1; minus strand). Cytogenetic location: 2q35.
Variant type: single nucleotide variant.
Coding change: c.71C>G on transcript NM_000465.4 (MANE Select); coding-DNA position 71, C replaced by G.
Protein change: p.Pro24Arg; replaces proline 24 with arginine.
Molecular consequence: missense variant. On other transcripts: non-coding transcript variant (3).
Genome position (GRCh38, 1-based): chr2:214,809,499, G>C on the plus strand (C>G on the coding strand, the complement: BARD1 is on the minus strand). VCF-style: chr2-214809499-G-C. GRCh37 (hg19) VCF-style: chr2-215674223-G-C.
Other names: c.71C>G, p.Pro24Arg (NM_001282543.2, NM_001282545.2, NM_001282548.2 and 1 more transcripts); short protein forms P24R.
Identifiers: ClinVar variation 216445 (VCV000216445.22), dbSNP rs863224674, ClinGen allele CA336143.
Genomic context (GRCh38, chr2:214,809,499, plus strand): 5'-AGGCGGTCGAGCGCGGCGCGACTGTGGGCCCAGGCACCGCGACCATCCGGTTCCATGGCG[G>C]GCGCGGAACGAGGCTCGTTCCCGGAGCGGATCCTCGGCTGCCGGTTCCTCGGCTGCCGAT-3'
Protein context (NP_000456.2, residues 14-34): IRSGNEPRSA[Pro24Arg]AMEPDGRGAW

ClinVar aggregate classification (germline): Conflicting classifications of pathogenicity. Review status: criteria provided, conflicting classifications (1 of 4 stars). 7 submissions from 7 submitters: Uncertain significance (6); Likely benign (1). Last evaluated 2025-10-02.

Conditions:
Hereditary cancer-predisposing syndrome. Also called: Hereditary Cancer Syndrome; Hereditary neoplastic syndrome; Neoplastic Syndromes, Hereditary; Tumor predisposition. Identifiers: Orphanet 140162, MedGen C0027672, MeSH D009386, MONDO:0015356.
Familial cancer of breast. Also called: Hereditary breast cancer; BREAST CANCER, FAMILIAL; hereditary breast carcinoma. Identifiers: Orphanet 227535, MedGen C0346153, MONDO:0016419, OMIM 114480. Disease mechanism: loss of function.

Allele frequency attached by ClinVar (database versions not stated): gnomAD exomes below 0.00001.
gnomAD v4.1: 2 of 1,606,070 alleles (0.00012%); highest among the groups gnomAD compares: Non-Finnish European, 0.00017%; no homozygotes.

Submissions (7):

Labcorp Genetics (formerly Invitae), Labcorp
Classification: Uncertain significance for Familial cancer of breast. Last evaluated: 2025-10-02. Review status: criteria provided, single submitter. Criteria: Invitae Variant Classification Sherloc (09022015). Collection method: clinical testing. Allele origin: germline.
Comment: This sequence change replaces proline, which is neutral and non-polar, with arginine, which is basic and polar, at codon 24 of the BARD1 protein (p.Pro24Arg). This variant is present in population databases (no rsID available, gnomAD 0.001%). This variant has not been reported in the literature in individuals affected with BARD1-related conditions. ClinVar contains an entry for this variant (Variation ID: 216445). An algorithm developed to predict the effect of missense changes on protein structure and function (PolyPhen-2) suggests that this variant is likely to be tolerated. In summary, the available evidence is currently insufficient to determine the role of this variant in disease. Therefore, it has been classified as a Variant of Uncertain Significance.

Ambry Genetics
Classification: Uncertain significance for Hereditary cancer-predisposing syndrome. Last evaluated: 2025-09-26. Review status: criteria provided, single submitter. Criteria: Ambry Variant Classification Scheme 2023. Collection method: clinical testing. Allele origin: germline.
Comment: The p.P24R variant (also known as c.71C>G), located in coding exon 1 of the BARD1 gene, results from a C to G substitution at nucleotide position 71. The proline at codon 24 is replaced by arginine, an amino acid with dissimilar properties. This amino acid position is not well conserved in available vertebrate species. In addition, this alteration is predicted to be tolerated by in silico analysis. Since supporting evidence is limited at this time, the clinical significance of this alteration remains unclear.

Color Diagnostics, LLC DBA Color Health
Classification: Uncertain significance for Hereditary cancer-predisposing syndrome. Last evaluated: 2025-04-29. Review status: criteria provided, single submitter. Criteria: ACMG Guidelines, 2015. Collection method: clinical testing. Allele origin: germline.
Comment: This missense variant replaces proline with arginine at codon 24 of the BARD1 protein. Computational prediction suggests that this variant may not impact protein structure and function. To our knowledge, functional studies have not been reported for this variant. This variant has not been reported in individuals affected with hereditary cancer in the literature. This variant has been identified in 1/230478 chromosomes in the general population by the Genome Aggregation Database (gnomAD). The available evidence is insufficient to determine the role of this variant in disease conclusively. Therefore, this variant is classified as a Variant of Uncertain Significance.

Myriad Genetics, Inc.
Classification: Likely benign for Familial cancer of breast. Last evaluated: 2024-07-18. Review status: criteria provided, single submitter. Criteria: Myriad Autosomal Dominant, Autosomal Recessive and X-Linked Classification Criteria (2023). Collection method: clinical testing. Allele origin: unknown.
Comment: This variant is considered likely benign. This variant is strongly associated with less severe personal and family histories of cancer, typical for individuals without pathogenic variants in this gene [PMID: 25085752].

GeneDx
Classification: Uncertain significance. Last evaluated: 2023-11-12. Review status: criteria provided, single submitter. Criteria: GeneDx Variant Classification Process June 2021. Collection method: clinical testing. Allele origin: germline. Affected: yes.
Comment: Not observed at significant frequency in large population cohorts (gnomAD); In silico analysis supports that this missense variant does not alter protein structure/function; Has not been previously published as pathogenic or benign to our knowledge

Baylor Genetics
Classification: Uncertain significance for Familial cancer of breast. Last evaluated: 2023-11-07. Review status: criteria provided, single submitter. Criteria: ACMG Guidelines, 2015. Collection method: clinical testing. Allele origin: unknown.

Quest Diagnostics Nichols Institute San Juan Capistrano
Classification: Uncertain significance. Last evaluated: 2023-09-19. Review status: criteria provided, single submitter. Criteria: Quest Diagnostics criteria. Collection method: clinical testing. Allele origin: unknown.
Comment: This variant has not been reported in individuals with BARD1-related conditions in the published literature. The frequency of this variant in the general population, 0.0000043 (1/230478 chromosomes (Genome Aggregation Database)), is uninformative in the assessment of its pathogenicity. Analysis of this variant using bioinformatics tools for the prediction of the effect of amino acid changes on protein structure and function yielded predictions that this variant is benign. Based on the available information, we are unable to determine the clinical significance of this variant.

Literature cited by the submitters: PubMed 25085752 (cited by Myriad Genetics, Inc.); PubMed 28569743 (cited by Quest Diagnostics Nichols Institute San Juan Capistrano).